The following is an entry in ClinVar:

ClinVar aggregate classification (germline): Pathogenic (1 of 4 stars; one submission).

Conditions:
Neurofibromatosis, type 1 (NF1). Also called: NEUROFIBROMATOSIS, TYPE I, SOMATIC; VON RECKLINGHAUSEN DISEASE; Peripheral type neurofibromatosis; Neurofibromatosis, type I. Identifiers: Orphanet 636, MedGen C0027831, MONDO:0018975, OMIM 162200. Disease mechanism: loss of function.

Submission:

Labcorp Genetics (formerly Invitae), Labcorp
Classification: Pathogenic for Neurofibromatosis, type 1. Last evaluated: 2025-09-17. Review status: criteria provided, single submitter. Criteria: Invitae Variant Classification Sherloc (09022015). Collection method: clinical testing. Allele origin: germline.
Comment: This sequence change creates a premature translational stop signal (p.Pro2221Thrfs*15) in the NF1 gene. It is expected to result in an absent or disrupted protein product. Loss-of-function variants in NF1 are known to be pathogenic (PMID: 10712197, 23913538). This variant is not present in population databases (gnomAD no frequency). This variant has not been reported in the literature in individuals affected with NF1-related conditions. For these reasons, this variant has been classified as Pathogenic.

Literature cited by the submitters: PubMed 10712197; PubMed 23913538.

NM_001042492.3(NF1):c.6723_6724insA (p.Pro2242fs)

Gene: NF1 (neurofibromin 1; plus strand). Cytogenetic location: 17q11.2.
Variant type: Insertion.
Coding change: c.6723_6724insA on transcript NM_001042492.3 (MANE Select); coding-DNA positions 6723 to 6724, A inserted.
Protein change: p.Pro2242fs; shifts the reading frame from proline 2242.
Molecular consequence: frameshift variant.
Genome position: GRCh38 VCF-style: chr17-31338043-T-TA. GRCh37 (hg19) VCF-style: chr17-29665061-T-TA.
Other names: c.6660_6661insA, p.Pro2221fs (NM_000267.4); short protein forms P2221fs, P2242fs.
Identifiers: ClinVar variation 4727380 (VCV004727380.1).